The following is an entry in ClinVar:

NM_005159.5(ACTC1):c.896A>G (p.Asn299Ser)

Genes: GJD2-DT (GJD2 divergent transcript; plus strand), ACTC1 (actin alpha cardiac muscle 1; minus strand). Cytogenetic location: 15q14.
Variant type: single nucleotide variant.
Coding change: c.896A>G on transcript NM_005159.5 (MANE Select); coding-DNA position 896, A replaced by G.
Protein change: p.Asn299Ser; replaces asparagine 299 with serine.
Molecular consequence: missense variant.
Genome position (GRCh38, 1-based): chr15:34,791,208, T>C on the plus strand (A>G on the coding strand, the complement: ACTC1 is on the minus strand). VCF-style: chr15-34791208-T-C. GRCh37 (hg19) VCF-style: chr15-35083409-T-C.
Other names: c.896A>G, p.Asn299Ser (NM_001406482.1, NM_001406483.1); c.761A>G, p.Asn254Ser (NM_001406484.1); c.455A>G, p.Asn152Ser (NM_001406485.1); short protein forms N152S, N254S, N299S.
Identifiers: ClinVar variation 4757820 (VCV004757820.1).
Genomic context (GRCh38, chr15:34,791,208, plus strand): 5'-ATTTCCTTCTGCATACGATCAGCAATACCAGGGTACATAGTGGTGCCTCCAGATAAGACA[T>C]TGTTGGCATACAGGTCCTTGCGGATATCAATGTCACACTTCATGATGCTATTGTAAGTTG-3'
Protein context (NP_005150.1, residues 289-309): IDIRKDLYAN[Asn299Ser]VLSGGTTMYP

ClinVar aggregate classification (germline): Uncertain significance (1 of 4 stars; one submission).

Conditions:
Cardiomyopathy (CMYO). Also called: Cardiomyopathies. Identifiers: Orphanet 167848, MedGen C0878544, MONDO:0004994, HP:0001638. Inheritance: Various modes of inheritance.

Submission:

Color Diagnostics, LLC DBA Color Health
Classification: Uncertain significance for Cardiomyopathy. Last evaluated: 2025-08-24. Review status: criteria provided, single submitter. Criteria: ACMG Guidelines, 2015. Collection method: clinical testing. Allele origin: germline.
Comment: This missense variant replaces asparagine with serine at codon 299 of the ACTC1 protein. Computational prediction suggests that this variant may not impact protein structure and function. To our knowledge, functional studies have not been reported for this variant. This variant has not been reported in individuals affected with ACTC1-related disorders in the literature. This variant has not been identified in the general population by the Genome Aggregation Database (gnomAD). The available evidence is insufficient to determine the role of this variant in disease conclusively. Therefore, this variant is classified as a Variant of Uncertain Significance.